The following is an entry in ClinVar:

ClinVar aggregate classification (germline): Conflicting classifications of pathogenicity. Review status: criteria provided, conflicting classifications (1 of 4 stars). 7 submissions from 7 submitters: Uncertain significance (4); Likely benign (1). 2 of the submissions do not count toward it. Last evaluated 2026-05-01.

Conditions:
AFF2-related disorder. Also called: AFF2-related condition.
FRAXE. Also called: Intellectual developmental disorder, X-linked 109; Intellectual disability, X-linked, FRAXE type; Fragile XE syndrome; FRAXE Syndrome; FRAXE intellectual disability. Identifiers: Orphanet 100973, MedGen C0751157, MONDO:0010659, OMIM 309548. Disease mechanism: loss of function.
Intellectual disability. Also called: Intellectual functioning disability; Intellectual developmental disorder; intellectual disabilities. Identifiers: MedGen C3714756, MeSH D008607, MONDO:0001071, HP:0001249.

Allele frequency attached by ClinVar (database versions not stated): 1000 Genomes Project 0.00053; gnomAD exomes 0.00042 and 0.00099; gnomAD 0.00046 and 0.00043; ESP Exome Variant Server 0.00057; ExAC 0.00082; 1000 Genomes Project 30x 0.00062; TOPMed 0.00076.
gnomAD v4.1: 530 of 1,209,185 alleles (0.044%); highest among the groups gnomAD compares: Admixed American, 0.22%; no homozygotes.

Submissions (7):

CeGaT Center for Human Genetics Tuebingen
Classification: Likely benign. Last evaluated: 2026-05-01. Review status: criteria provided, single submitter. Criteria: CeGaT Center For Human Genetics Tuebingen Variant Classification Criteria Version 2. Collection method: clinical testing. Allele origin: germline. Affected: yes. Observed: 6 variant alleles.
Comment: AFF2: BS2

Mendelics
Classification: Uncertain significance for FRAXE. Last evaluated: 2019-05-28. Review status: criteria provided, single submitter. Criteria: Mendelics Assertion Criteria 2017. Collection method: clinical testing. Allele origin: unknown.

Eurofins Ntd Llc (ga)
Classification: Uncertain significance. Last evaluated: 2013-10-16. Review status: criteria provided, single submitter. Criteria: EGL Classification Definitions 2015. Collection method: clinical testing. Allele origin: germline. Observed: 1 variant allele, 1 heterozygote.

Genetic Services Laboratory, University of Chicago
Classification: Uncertain significance. Last evaluated: 2013-07-17. Review status: criteria provided, single submitter. Criteria: ACMG Guidelines, 2007. Collection method: clinical testing. Allele origin: germline. Inheritance: X-linked inheritance.

Breakthrough Genomics
Classification: Uncertain significance. Review status: criteria provided, single submitter. Criteria: ACMG Guidelines, 2015. Collection method: not provided. Allele origin: germline. Inheritance: X-linked recessive inheritance. Affected: yes.

PreventionGenetics, part of Exact Sciences
Classification: Likely benign for AFF2-related condition. Last evaluated: 2020-05-07. Review status: no assertion criteria provided. Collection method: clinical testing. Allele origin: germline. Not counted in ClinVar's aggregate classification.
Comment: This variant is classified as likely benign based on ACMG/AMP sequence variant interpretation guidelines (Richards et al. 2015 PMID: 25741868, with internal and published modifications).

Centre de Biologie Pathologie Génétique, Centre Hospitalier Universitaire de Lille
Classification: Likely benign for Intellectual disability. Last evaluated: 2019-01-01. Review status: no assertion criteria provided. Collection method: clinical testing. Allele origin: inherited. Affected: yes. Not counted in ClinVar's aggregate classification.

NM_002025.4(AFF2):c.3088A>C (p.Ile1030Leu)

Gene: AFF2 (ALF transcription elongation factor 2; plus strand). Cytogenetic location: Xq28.
Variant type: single nucleotide variant.
Coding change: c.3088A>C on transcript NM_002025.4 (MANE Select); coding-DNA position 3088, A replaced by C.
Protein change: p.Ile1030Leu; replaces isoleucine 1030 with leucine.
Molecular consequence: missense variant.
Genome position (GRCh38, 1-based): chrX:148,966,964, A>C. VCF-style: chrX-148966964-A-C. GRCh37 (hg19) VCF-style: chrX-148048494-A-C.
Other names: c.2983A>C, p.Ile995Leu (NM_001169122.2, NM_001169124.2); c.3058A>C, p.Ile1020Leu (NM_001169123.2); c.2971A>C, p.Ile991Leu (NM_001169125.2); c.2011A>C, p.Ile671Leu (NM_001170628.1); short protein forms I1030L, I671L, I1020L, I991L, I995L.
Identifiers: ClinVar variation 94027 (VCV000094027.35), dbSNP rs149653283, ClinGen allele CA221913.